The following is an entry in ClinVar:

NM_020975.6(RET):c.101A>G (p.Asp34Gly)

Gene: RET (ret proto-oncogene; plus strand). Cytogenetic location: 10q11.21.
Variant type: single nucleotide variant.
Coding change: c.101A>G on transcript NM_020975.6 (MANE Select); coding-DNA position 101, A replaced by G.
Protein change: p.Asp34Gly; replaces aspartic acid 34 with glycine.
Molecular consequence: missense variant.
Genome position (GRCh38, 1-based): chr10:43,100,486, A>G. VCF-style: chr10-43100486-A-G. GRCh37 (hg19) VCF-style: chr10-43595934-A-G.
Other names: c.101A>G, p.Asp34Gly (NM_001406765.1, NM_001406766.1, NM_001406767.1 and 34 more transcripts); short protein forms D34G.
Identifiers: ClinVar variation 1392266 (VCV001392266.11), dbSNP rs2132657310, ClinGen allele CA376770090.

ClinVar aggregate classification (germline): Uncertain significance. Review status: criteria provided, multiple submitters, no conflicts (2 of 4 stars). 3 submissions from 3 submitters: Uncertain significance (3). Last evaluated 2025-12-23.

Conditions:
Hereditary cancer-predisposing syndrome. Also called: Neoplastic Syndromes, Hereditary; Hereditary neoplastic syndrome; Tumor predisposition; Hereditary Cancer Syndrome. Identifiers: Orphanet 140162, MedGen C0027672, MeSH D009386, MONDO:0015356.
Multiple endocrine neoplasia, type 2 (MEN2). Identifiers: Orphanet 653, MedGen C4048306, MONDO:0019003. Disease mechanism: gain of function.

Submissions (3):

Labcorp Genetics (formerly Invitae), Labcorp
Classification: Uncertain significance for Multiple endocrine neoplasia, type 2. Last evaluated: 2025-12-23. Review status: criteria provided, single submitter. Criteria: Invitae Variant Classification Sherloc (09022015). Collection method: clinical testing. Allele origin: germline.
Comment: This sequence change replaces aspartic acid, which is acidic and polar, with glycine, which is neutral and non-polar, at codon 34 of the RET protein (p.Asp34Gly). This variant is not present in population databases (gnomAD no frequency). This variant has not been reported in the literature in individuals affected with RET-related conditions. ClinVar contains an entry for this variant (Variation ID: 1392266). An algorithm developed to predict the effect of missense changes on protein structure and function (PolyPhen-2) suggests that this variant is likely to be disruptive. In summary, the available evidence is currently insufficient to determine the role of this variant in disease. Therefore, it has been classified as a Variant of Uncertain Significance.

Ambry Genetics
Classification: Uncertain significance for Hereditary cancer-predisposing syndrome. Last evaluated: 2025-09-19. Review status: criteria provided, single submitter. Criteria: Ambry Variant Classification Scheme 2023. Collection method: clinical testing. Allele origin: germline.
Comment: The p.D34G variant (also known as c.101A>G), located in coding exon 2 of the RET gene, results from an A to G substitution at nucleotide position 101. The aspartic acid at codon 34 is replaced by glycine, an amino acid with similar properties. This amino acid position is conserved. In addition, the in silico prediction for this alteration is inconclusive. Based on the available evidence, the clinical significance of this variant remains unclear.

Color Diagnostics, LLC DBA Color Health
Classification: Uncertain significance for Multiple endocrine neoplasia, type 2. Last evaluated: 2025-07-28. Review status: criteria provided, single submitter. Criteria: ACMG Guidelines, 2015. Collection method: clinical testing. Allele origin: germline.
Comment: This missense variant replaces aspartic acid with glycine at codon 34 of the RET protein. Computational prediction suggests that this variant may not impact protein structure and function. To our knowledge, functional studies have not been reported for this variant. This variant has not been reported in individuals affected with RET-related disorders in the literature. This variant has not been identified in the general population by the Genome Aggregation Database (gnomAD). The available evidence is insufficient to determine the role of this variant in disease conclusively. Therefore, this variant is classified as a Variant of Uncertain Significance.